The following is an entry in ClinVar:

ClinVar aggregate classification (germline): Uncertain significance (1 of 4 stars; one submission).

Conditions:
Inborn genetic diseases. Identifiers: MedGen C0950123, MeSH D030342.

Submission:

Ambry Genetics
Classification: Uncertain significance for Inborn genetic diseases. Last evaluated: 2026-06-24. Review status: criteria provided, single submitter. Criteria: Ambry Variant Classification Scheme 2023. Collection method: clinical testing. Allele origin: germline.
Comment: The p.H388Y variant (also known as c.1162C>T), located in coding exon 9 of the DNMT3A gene, results from a C to T substitution at nucleotide position 1162. The histidine at codon 388 is replaced by tyrosine, an amino acid with similar properties. This amino acid position is conserved. In addition, this alteration is predicted to be tolerated by in silico analysis. Based on the available evidence, the clinical significance of this variant remains unclear.

NM_022552.5(DNMT3A):c.1162C>T (p.His388Tyr)

Gene: DNMT3A (DNA methyltransferase 3 alpha; minus strand). Cytogenetic location: 2p23.3.
Variant type: single nucleotide variant.
Coding change: c.1162C>T on transcript NM_022552.5 (MANE Select); coding-DNA position 1162, C replaced by T.
Protein change: p.His388Tyr; replaces histidine 388 with tyrosine.
Molecular consequence: missense variant. On other transcripts: non-coding transcript variant (1).
Genome position (GRCh38, 1-based): chr2:25,246,737, G>A on the plus strand (C>T on the coding strand, the complement: DNMT3A is on the minus strand). VCF-style: chr2-25246737-G-A. GRCh37 (hg19) VCF-style: chr2-25469606-G-A.
Other names: c.706C>T, p.His236Tyr (NM_001320893.1); c.493C>T, p.His165Tyr (NM_001375819.1); c.595C>T, p.His199Tyr (NM_153759.3); c.1162C>T, p.His388Tyr (NM_175629.2); short protein forms H388Y, H199Y, H165Y, H236Y.
Identifiers: ClinVar variation 5035497 (VCV005035497.1).